The following is an entry in ClinVar:

NM_000388.4(CASR):c.55G>C (p.Ala19Pro)

Gene: CASR (calcium sensing receptor; plus strand). Cytogenetic location: 3q21.1.
Variant type: single nucleotide variant.
Coding change: c.55G>C on transcript NM_000388.4 (MANE Select); coding-DNA position 55, G replaced by C.
Protein change: p.Ala19Pro; replaces alanine 19 with proline.
Molecular consequence: missense variant.
Genome position (GRCh38, 1-based): chr3:122,254,244, G>C. VCF-style: chr3-122254244-G-C. GRCh37 (hg19) VCF-style: chr3-121973091-G-C.
Other names: c.55G>C, p.Ala19Pro (NM_001178065.2); short protein forms A19P.
Identifiers: ClinVar variation 1018803 (VCV001018803.9), dbSNP rs2074528751, ClinGen allele CA354362035.

ClinVar aggregate classification (germline): Uncertain significance (1 of 4 stars; one submission).

Conditions:
Autosomal dominant hypocalcemia 1 (HYPOC1). Also called: HYPOCALCEMIA, FAMILIAL. Identifiers: MedGen C3715128, MONDO:0011013, OMIM 601198.
Familial hypocalciuric hypercalcemia (FHH). Also called: Familial benign hypercalcemia. Identifiers: Orphanet 405, MedGen C1809471, MONDO:0018458.

Allele frequency attached by ClinVar (database versions not stated): gnomAD exomes below 0.00001.
gnomAD v4.1: 1 of 1,613,880 alleles (0.000062%); highest among the groups gnomAD compares: Non-Finnish European, 0.000085%; no homozygotes.

Submission:

Labcorp Genetics (formerly Invitae), Labcorp
Classification: Uncertain significance for Familial hypocalciuric hypercalcemia; Autosomal dominant hypocalcemia 1. Last evaluated: 2024-02-07. Review status: criteria provided, single submitter. Criteria: Invitae Variant Classification Sherloc (09022015). Collection method: clinical testing. Allele origin: germline.
Comment: This sequence change replaces alanine, which is neutral and non-polar, with proline, which is neutral and non-polar, at codon 19 of the CASR protein (p.Ala19Pro). This variant is not present in population databases (gnomAD no frequency). This missense change has been observed in individual(s) with hypercalcemia (PMID: 32386559). ClinVar contains an entry for this variant (Variation ID: 1018803). An algorithm developed to predict the effect of missense changes on protein structure and function (PolyPhen-2) suggests that this variant is likely to be disruptive. Experimental studies have shown that this missense change affects CASR function (PMID: 32386559). In summary, the available evidence is currently insufficient to determine the role of this variant in disease. Therefore, it has been classified as a Variant of Uncertain Significance.

Literature cited by the submitters: PubMed 32386559.